The following is an entry in ClinVar:

ClinVar aggregate classification (germline): Uncertain significance (1 of 4 stars; one submission).

Conditions:
Epidermolysis bullosa simplex with nail dystrophy (EBS5D). Identifiers: MedGen C4225309, MONDO:0014661, OMIM 616487.
Autosomal recessive limb-girdle muscular dystrophy type 2Q (LGMDR17). Also called: MUSCULAR DYSTROPHY, LIMB-GIRDLE, AUTOSOMAL RECESSIVE 17. Identifiers: Orphanet 254361, MedGen C3150989, MONDO:0013390, OMIM 613723.
Epidermolysis bullosa simplex 5B, with muscular dystrophy (EBS5B). Also called: Epidermolysis bullosa simplex with muscular dystrophy; EPIDERMOLYSIS BULLOSA SIMPLEX AND LIMB-GIRDLE MUSCULAR DYSTROPHY. Identifiers: Orphanet 257, MedGen C2931072, MONDO:0009181, OMIM 226670.
Epidermolysis bullosa simplex 5C, with pyloric atresia (EBS5C). Also called: PLEC-Related Epidermolysis Bullosa with Pyloric Atresia; Epidermolysis bullosa simplex with pyloric atresia; PLEC1-Related Epidermolysis Bullosa with Pyloric Atresia. Identifiers: Orphanet 158684, MedGen C2677349, MONDO:0012807, OMIM 612138.
Epidermolysis bullosa simplex, Ogna type (EBS5A). Also called: Pidermolysis bullosa simplex 5A, Ogna type; EPIDERMOLYSIS BULLOSA SIMPLEX 5A, OGNA TYPE. Identifiers: Orphanet 79401, MedGen C0432317, MONDO:0007555, OMIM 131950.

Submission:

Labcorp Genetics (formerly Invitae), Labcorp
Classification: Uncertain significance for Autosomal recessive limb-girdle muscular dystrophy type 2Q; Epidermolysis bullosa simplex, Ogna type; Epidermolysis bullosa simplex with nail dystrophy; Epidermolysis bullosa simplex 5C, with pyloric atresia; Epidermolysis bullosa simplex 5B, with muscular dystrophy. Last evaluated: 2024-09-15. Review status: criteria provided, single submitter. Criteria: Invitae Variant Classification Sherloc (09022015). Collection method: clinical testing. Allele origin: germline.
Comment: This sequence change replaces lysine, which is basic and polar, with arginine, which is basic and polar, at codon 81 of the PLEC protein (p.Lys81Arg). This variant is not present in population databases (gnomAD no frequency). This variant has not been reported in the literature in individuals affected with PLEC-related conditions. Experimental studies and prediction algorithms are not available or were not evaluated, and the functional significance of this variant is currently unknown. In summary, the available evidence is currently insufficient to determine the role of this variant in disease. Therefore, it has been classified as a Variant of Uncertain Significance.

NM_201384.3(PLEC):c.161A>G (p.Lys54Arg)

Gene: PLEC (plectin; minus strand). Cytogenetic location: 8q24.3.
Variant type: single nucleotide variant.
Coding change: c.161A>G on transcript NM_201384.3 (MANE Select); coding-DNA position 161, A replaced by G.
Protein change: p.Lys54Arg; replaces lysine 54 with arginine.
Molecular consequence: missense variant.
Genome position (GRCh38, 1-based): chr8:143,938,644, T>C on the plus strand (A>G on the coding strand, the complement: PLEC is on the minus strand). VCF-style: chr8-143938644-T-C. GRCh37 (hg19) VCF-style: chr8-145012812-T-C.
Other names: c.95A>G, p.Lys32Arg (NM_201379.3); c.572A>G, p.Lys191Arg (NM_201380.4); c.65A>G, p.Lys22Arg (NM_201381.3); c.161A>G, p.Lys54Arg (NM_201382.4); c.173A>G, p.Lys58Arg (NM_201383.3); c.242A>G, p.Lys81Arg (NM_000445.5, NM_001410941.1); c.119A>G, p.Lys40Arg (NM_201378.4); short protein forms K191R, K22R, K32R, K40R, K54R, K58R, K81R.
Identifiers: ClinVar variation 3749496 (VCV003749496.2).